The following is an entry in ClinVar:

NM_001606.5(ABCA2):c.5971C>T (p.Arg1991Cys)

Genes: ABCA2 (ATP binding cassette subfamily A member 2; minus strand), LOC126860796 (CDK7 strongly-dependent group 2 enhancer GRCh37_chr9:139904888-139906087; plus strand). Cytogenetic location: 9q34.3.
Variant type: single nucleotide variant.
Coding change: c.5971C>T on transcript NM_001606.5 (MANE Select); coding-DNA position 5971, C replaced by T.
Protein change: p.Arg1991Cys; replaces arginine 1991 with cysteine.
Molecular consequence: missense variant.
Genome position (GRCh38, 1-based): chr9:137,011,058, G>A on the plus strand (C>T on the coding strand, the complement: ABCA2 is on the minus strand). VCF-style: chr9-137011058-G-A. GRCh37 (hg19) VCF-style: chr9-139905510-G-A.
Other names: c.5968C>T, p.Arg1990Cys (NM_001411042.1); c.6061C>T, p.Arg2021Cys (NM_212533.3); short protein forms R2021C, R1990C, R1991C.
Identifiers: ClinVar variation 4977425 (VCV004977425.1).

ClinVar aggregate classification (germline): Uncertain significance (1 of 4 stars; one submission).

Conditions:
ABCA2-related disorder. Also called: ABCA2-related condition.

Submission:

PreventionGenetics, part of Exact Sciences
Classification: Uncertain significance for ABCA2-related condition. Last evaluated: 2026-07-16. Review status: criteria provided, single submitter. Criteria: ACMG Guidelines, 2015. Collection method: clinical testing. Allele origin: germline.
Comment: The ABCA2 c.6061C>T variant is predicted to result in the amino acid substitution p.Arg2021Cys. To our knowledge, this variant has not been reported in the literature. This variant is reported in 0.14% of alleles in individuals of South Asian descent in gnomAD, including one homozygous individual. Although we suspect that this variant may be benign, at this time, the clinical significance of this variant is uncertain due to the absence of conclusive functional and genetic evidence.